The following is an entry in ClinVar:

ClinVar aggregate classification (germline): Uncertain significance (1 of 4 stars; one submission).

Submission:

Dasa
Classification: Uncertain significance. Last evaluated: 2025-05-28. Review status: criteria provided, single submitter. Criteria: DASA Assertion Criteria. Collection method: clinical testing. Allele origin: germline.
Comment: NM_153266.4(TMEM151A):c.1183A>C (p.Ser395Arg) is a missense variant that results in the substitution of serine with arginine. This variant is absent from population databases. Computational prediction algorithms are consistent with a benign effect. The currently available literature and clinical evidence are not sufficient to establish a definitive association between this variant and the reported condition. Therefore, this variant is classified as a variant of uncertain significance.

NM_153266.4(TMEM151A):c.1183A>C (p.Ser395Arg)

Gene: TMEM151A (transmembrane protein 151A; plus strand). Cytogenetic location: 11q13.2.
Variant type: single nucleotide variant.
Coding change: c.1183A>C on transcript NM_153266.4 (MANE Select); coding-DNA position 1183, A replaced by C.
Protein change: p.Ser395Arg; replaces serine 395 with arginine.
Molecular consequence: missense variant.
Genome position (GRCh38, 1-based): chr11:66,295,429, A>C. VCF-style: chr11-66295429-A-C. GRCh37 (hg19) VCF-style: chr11-66062900-A-C.
Other names: short protein forms S395R.
Identifiers: ClinVar variation 4882598 (VCV004882598.2).